The following is an entry in ClinVar:

ClinVar aggregate classification (germline): Conflicting classifications of pathogenicity. Review status: criteria provided, conflicting classifications (1 of 4 stars). 9 submissions from 9 submitters: Uncertain significance (8); Likely benign (1). Last evaluated 2026-08-01.

Conditions:
Marfan syndrome (MFS). Also called: MARFAN SYNDROME, TYPE I; FBN1-Related Marfan Syndrome; Marfan syndrome type 1; Marfan's syndrome; Marfan syndrome, classic. Identifiers: Orphanet 284963, Orphanet 558, MedGen C0024796, MONDO:0007947, OMIM 154700.
Ectopia lentis 1, isolated, autosomal dominant (ECTOL1). Identifiers: Orphanet 1885, MedGen C3541518, MONDO:0007514, OMIM 129600.
Geleophysic dysplasia 2 (GPHYSD2). Identifiers: Orphanet 2623, MedGen C3280054, MONDO:0013612, OMIM 614185.
Progeroid and marfanoid aspect-lipodystrophy syndrome. Also called: MARFANOID-PROGEROID SYNDROME; MARFAN-PROGEROID-LIPODYSTROPHY SYNDROME; Marfan lipodystrophy syndrome; MARFANOID-PROGEROID-LIPODYSTROPHY SYNDROME. Identifiers: Orphanet 300382, MedGen C4310796, MONDO:0014831, OMIM 616914.
Acromicric dysplasia (ACMICD). Also called: Acromicric skeletal dysplasia. Identifiers: Orphanet 969, MedGen C0265287, MONDO:0007055, OMIM 102370.
Stiff skin syndrome (SSKS). Identifiers: Orphanet 2833, MedGen C1861456, MONDO:0008492, OMIM 184900.
Weill-Marchesani syndrome 2, dominant. Also called: Weill-Marchesani Syndrome, Autosomal Dominant; FBN1-Related Weill-Marchesani Syndrome. Identifiers: Orphanet 2084, MedGen C1869115, MONDO:0012013, OMIM 608328.
MASS syndrome (OCTD). Also called: MASS PHENOTYPE; OVERLAP CONNECTIVE TISSUE DISEASE. Identifiers: MedGen C1858556, MONDO:0011431, OMIM 604308.
Familial thoracic aortic aneurysm and aortic dissection (TAAD). Also called: Thoracic aortic aneurysms and dissections. Identifiers: Orphanet 91387, MedGen C4707243, MONDO:0019625.
FBN1-related disorder. Also called: FBN1-related disorders.

Allele frequency attached by ClinVar (database versions not stated): ExAC 0.00002; gnomAD exomes 0.00002 and 0.00003; gnomAD 0.00003; TOPMed 0.00003.
gnomAD v4.1: 52 of 1,614,004 alleles (0.0032%); highest among the groups gnomAD compares: Middle Eastern, 0.099%; no homozygotes.

Submissions (9):

CeGaT Center for Human Genetics Tuebingen
Classification: Likely benign. Last evaluated: 2026-08-01. Review status: criteria provided, single submitter. Criteria: CeGaT Center For Human Genetics Tuebingen Variant Classification Criteria Version 2. Collection method: clinical testing. Allele origin: germline. Affected: yes. Observed: 3 variant alleles.
Comment: FBN1: PP2, BS2

Labcorp Genetics (formerly Invitae), Labcorp
Classification: Uncertain significance for Marfan syndrome; Familial thoracic aortic aneurysm and aortic dissection. Last evaluated: 2025-12-20. Review status: criteria provided, single submitter. Criteria: Invitae Variant Classification Sherloc (09022015). Collection method: clinical testing. Allele origin: germline.
Comment: This sequence change replaces methionine, which is neutral and non-polar, with arginine, which is basic and polar, at codon 977 of the FBN1 protein (p.Met977Arg). This variant is present in population databases (rs199682686, gnomAD 0.007%). This missense change has been observed in individual(s) with clinical features of FBN1-related conditions (PMID: 25652356). ClinVar contains an entry for this variant (Variation ID: 195848). Invitae Evidence Modeling of protein sequence and biophysical properties (such as structural, functional, and spatial information, amino acid conservation, physicochemical variation, residue mobility, and thermodynamic stability) has been performed for this missense variant. However, the output from this modeling did not meet the statistical confidence thresholds required to predict the impact of this variant on FBN1 protein function. In summary, the available evidence is currently insufficient to determine the role of this variant in disease. Therefore, it has been classified as a Variant of Uncertain Significance.

All of Us Research Program, National Institutes of Health
Classification: Uncertain significance for Marfan syndrome. Last evaluated: 2024-09-23. Review status: criteria provided, single submitter. Criteria: ACMG Guidelines, 2015. Collection method: clinical testing. Allele origin: germline. Inheritance: Autosomal dominant inheritance. Observed: 11 variant alleles, 11 heterozygotes.
Comment: This missense variant replaces methionine with arginine at codon 977 of the FBN1 protein. Computational prediction is inconclusive regarding the impact of this variant on protein structure and function (internally defined REVEL score threshold 0.5 < inconclusive < 0.7, PMID: 27666373). To our knowledge, functional studies have not been reported for this variant. This variant has been reported in an individual affected with Marfan syndrome (PMID: 25652356). This variant has been identified in 4/251462 chromosomes in the general population by the Genome Aggregation Database (gnomAD). The available evidence is insufficient to determine the role of this variant in disease conclusively. Therefore, this variant is classified as a Variant of Uncertain Significance.

This study involves interpretation of variants in research participants for the purpose of population health screening. Participant phenotype was not available at the time of variant classification. Additional details can be found in publication PMID: 35346344, PMCID: PMC8962531

GeneDx
Classification: Uncertain significance. Last evaluated: 2024-05-15. Review status: criteria provided, single submitter. Criteria: GeneDx Variant Classification Process June 2021. Collection method: clinical testing. Allele origin: germline. Affected: yes.
Comment: (PMID: 25652356); Not observed at significant frequency in large population cohorts (gnomAD); Although located in a TGF-binding protein domain (aka TB domain or 8-Cysteine domain), it does not affect a cysteine residue within this domain; other missense substitutions that affect cysteine residues within this TGF-binding protein domain have been reported in association with various FBN1-related phenotypes (HGMD); In silico analysis supports that this missense variant has a deleterious effect on protein structure/function; This variant is associated with the following publications: (PMID: 25652356)

Color Diagnostics, LLC DBA Color Health
Classification: Uncertain significance for Familial thoracic aortic aneurysm and aortic dissection. Last evaluated: 2024-04-04. Review status: criteria provided, single submitter. Criteria: ACMG Guidelines, 2015. Collection method: clinical testing. Allele origin: germline.
Comment: This missense variant replaces methionine with arginine at codon 977 of the FBN1 protein. Computational prediction tools indicate that this variant's impact on protein structure and function is inconclusive. To our knowledge, functional studies have not been reported for this variant. This variant has been reported in one individual affected with Marfan syndrome (PMID: 25652356). This variant has been identified in 4/251462 chromosomes in the general population by the Genome Aggregation Database (gnomAD). The available evidence is insufficient to determine the role of this variant in disease conclusively. Therefore, this variant is classified as a Variant of Uncertain Significance.

Fulgent Genetics
Classification: Uncertain significance for Acromicric dysplasia; Ectopia lentis 1, isolated, autosomal dominant; Marfan syndrome; Stiff skin syndrome; MASS syndrome; Weill-Marchesani syndrome 2, dominant; Geleophysic dysplasia 2; Progeroid and marfanoid aspect-lipodystrophy syndrome. Last evaluated: 2021-10-12. Review status: criteria provided, single submitter. Criteria: ACMG Guidelines, 2015. Collection method: clinical testing. Allele origin: unknown.

Ambry Genetics
Classification: Uncertain significance for Familial thoracic aortic aneurysm and aortic dissection. Last evaluated: 2021-02-17. Review status: criteria provided, single submitter. Criteria: Ambry Variant Classification Scheme 2023. Collection method: clinical testing. Allele origin: germline.
Comment: The p.M977R variant (also known as c.2930T>G), located in coding exon 24 of the FBN1 gene, results from a T to G substitution at nucleotide position 2930. The methionine at codon 977 is replaced by arginine, an amino acid with similar properties, and is located in the TGFBP #03 domain. This alteration was reported in a subject with features of Marfan syndrome who did not meet Ghent criteria (Baudhuin LM et al. J Hum Genet, 2015 May;60:241-52). This amino acid position is well conserved in available vertebrate species. In addition, the in silico prediction for this alteration is inconclusive. Since supporting evidence is limited at this time, the clinical significance of this alteration remains unclear.

Illumina Laboratory Services, Illumina
Classification: Uncertain significance for FBN1-related disorders. Last evaluated: 2019-12-17. Review status: criteria provided, single submitter. Criteria: ICSLVariantClassificationCriteria RUGD 01 April 2020. Collection method: clinical testing. Allele origin: unknown.
Comment: The variant is reported at a frequency of 0.000016 in the Total population of the Genome Aggregation Database. Functional studies of this variant, which is located in a TGFÎ² binding-protein-like domain, have not been conducted, and in silico tools vary in their predictions of its effect. Based on the limited evidence available, the p.Met977Arg variant is classified as of unknown significance for FBN1-related disorders.

Eurofins Ntd Llc (ga)
Classification: Uncertain significance. Last evaluated: 2014-12-29. Review status: criteria provided, single submitter. Criteria: EGL Classification Definitions 2015. Collection method: clinical testing. Allele origin: germline. Observed: 1 variant allele, 1 heterozygote.

Literature cited by the submitters: PubMed 25652356 (cited by 5 submitters); PubMed 29768367 (cited by Illumina Laboratory Services, Illumina).

NM_000138.5(FBN1):c.2930T>G (p.Met977Arg)

Gene: FBN1 (fibrillin 1; minus strand). Cytogenetic location: 15q21.1.
Variant type: single nucleotide variant.
Coding change: c.2930T>G on transcript NM_000138.5 (MANE Select); coding-DNA position 2930, T replaced by G.
Protein change: p.Met977Arg; replaces methionine 977 with arginine.
Molecular consequence: missense variant.
Genome position (GRCh38, 1-based): chr15:48,490,003, A>C on the plus strand (T>G on the coding strand, the complement: FBN1 is on the minus strand). VCF-style: chr15-48490003-A-C. GRCh37 (hg19) VCF-style: chr15-48782200-A-C.
Other names: short protein forms M977R.
Identifiers: ClinVar variation 195848 (VCV000195848.52), dbSNP rs199682686, ClinGen allele CA013544.